The following is an entry in ClinVar:

ClinVar aggregate classification (germline): Pathogenic (1 of 4 stars; one submission).

Conditions:
Hereditary fructosuria. Also called: ALDOB DEFICIENCY; ALDOLASE B DEFICIENCY; FRUCTOSE-1,6-BISPHOSPHATE ALDOLASE B DEFICIENCY; FRUCTOSE-1-PHOSPHATE ALDOLASE DEFICIENCY; FRUCTOSEMIA; Hereditary fructose intolerance. Identifiers: Orphanet 469, MedGen C0016751, MONDO:0009249, OMIM 229600, HP:0005973. Disease mechanism: loss of function.

Submission:

Labcorp Genetics (formerly Invitae), Labcorp
Classification: Pathogenic for Hereditary fructosuria. Last evaluated: 2023-08-16. Review status: criteria provided, single submitter. Criteria: Invitae Variant Classification Sherloc (09022015). Collection method: clinical testing. Allele origin: germline.
Comment: This variant is not present in population databases (gnomAD no frequency). For these reasons, this variant has been classified as Pathogenic. This variant has not been reported in the literature in individuals affected with ALDOB-related conditions. This sequence change creates a premature translational stop signal (p.Gly91*) in the ALDOB gene. It is expected to result in an absent or disrupted protein product. Loss-of-function variants in ALDOB are known to be pathogenic (PMID: 18541450).

Literature cited by the submitters: PubMed 18541450.

NM_000035.4(ALDOB):c.271G>T (p.Gly91Ter)

Gene: ALDOB (aldolase, fructose-bisphosphate B; minus strand). Cytogenetic location: 9q31.1.
Variant type: single nucleotide variant.
Coding change: c.271G>T on transcript NM_000035.4 (MANE Select); coding-DNA position 271, G replaced by T.
Protein change: p.Gly91Ter; replaces glycine 91 with a stop codon.
Molecular consequence: nonsense.
Genome position (GRCh38, 1-based): chr9:101,429,808, C>A on the plus strand (G>T on the coding strand, the complement: ALDOB is on the minus strand). VCF-style: chr9-101429808-C-A. GRCh37 (hg19) VCF-style: chr9-104192090-C-A.
Other names: short protein forms G91*.
Identifiers: ClinVar variation 2864033 (VCV002864033.3), dbSNP rs1831189846, ClinGen allele CA374265734.
Genomic context (GRCh38, chr9:101,429,808, plus strand): 5'-TGTTCACCTTGATTCCCACCACGATCCCCTTTTCCTTGAGGATGTTTCTGAACAGCTTTC[C>A]CTGGCTGTCCTTCTGGTAGAGGGTCTCGTGGAAAAGGATCACACCCCCGATGCTCTGGTT-3'